The following is an entry in ClinVar:

ClinVar aggregate classification (germline): Uncertain significance (1 of 4 stars; one submission).

Conditions:
Familial thoracic aortic aneurysm and aortic dissection (TAAD). Also called: Thoracic aortic aneurysms and dissections. Identifiers: Orphanet 91387, MedGen C4707243, MONDO:0019625.
Hereditary cancer-predisposing syndrome. Also called: Hereditary Cancer Syndrome; Hereditary neoplastic syndrome; Neoplastic Syndromes, Hereditary; Tumor predisposition. Identifiers: Orphanet 140162, MedGen C0027672, MeSH D009386, MONDO:0015356.

Submission:

Ambry Genetics
Classification: Uncertain significance for Hereditary cancer-predisposing syndrome; Familial thoracic aortic aneurysm and aortic dissection. Last evaluated: 2021-09-21. Review status: criteria provided, single submitter. Criteria: Ambry Variant Classification Scheme 2023. Collection method: clinical testing. Allele origin: germline.
Comment: The p.Q442L variant (also known as c.1325A>T), located in coding exon 10 of the SMAD4 gene, results from an A to T substitution at nucleotide position 1325. The glutamine at codon 442 is replaced by leucine, an amino acid with dissimilar properties. This amino acid position is highly conserved in available vertebrate species. In addition, this alteration is predicted to be deleterious by in silico analysis. Since supporting evidence is limited at this time, the clinical significance of this alteration remains unclear.

NM_005359.6(SMAD4):c.1325A>T (p.Gln442Leu)

Gene: SMAD4 (SMAD family member 4; plus strand). Cytogenetic location: 18q21.2.
Variant type: single nucleotide variant.
Coding change: c.1325A>T on transcript NM_005359.6 (MANE Select); coding-DNA position 1325, A replaced by T.
Protein change: p.Gln442Leu; replaces glutamine 442 with leucine.
Molecular consequence: missense variant.
Genome position (GRCh38, 1-based): chr18:51,076,654, A>T. VCF-style: chr18-51076654-A-T. GRCh37 (hg19) VCF-style: chr18-48603024-A-T.
Other names: c.1325A>T, p.Gln442Leu (NM_001407041.1, NM_001407042.1); short protein forms Q442L.
Identifiers: ClinVar variation 1769986 (VCV001769986.2), dbSNP rs2144473574, ClinGen allele CA402465136.
Genomic context (GRCh38, chr18:51,076,654, plus strand): 5'-TTTTTCTTTATGAACTCATAGTATGAAATGTTTTTTCTTAAAAGGTCTTTGATTTGCGTC[A>T]GTGTCATCGACAGATGCAGCAGCAGGCGGCTACTGCACAAGCTGCAGCAGCTGCCCAGGC-3'
Protein context (NP_005350.1, residues 432-452): SAYIKVFDLR[Gln442Leu]CHRQMQQQAA